The following is an entry in ClinVar:

ClinVar aggregate classification (germline): Uncertain significance. Review status: criteria provided, multiple submitters, no conflicts (2 of 4 stars). 2 submissions from 2 submitters: Uncertain significance (2). Last evaluated 2022-08-18.

Conditions:
Inborn genetic diseases. Identifiers: MedGen C0950123, MeSH D030342.
Charcot-Marie-Tooth disease type 4. Also called: Charcot-Marie-Tooth, Type 4; Charcot-Marie-Tooth disease, type IV. Identifiers: Orphanet 64749, MedGen C4082197, MONDO:0018995.

Allele frequency attached by ClinVar (database versions not stated): ExAC 0.00001; gnomAD 0.00001; gnomAD exomes 0.00002; TOPMed 0.00002.
gnomAD v4.1: 35 of 1,613,998 alleles (0.0022%); highest among the groups gnomAD compares: South Asian, 0.021%; no homozygotes.

Submissions (2):

Labcorp Genetics (formerly Invitae), Labcorp
Classification: Uncertain significance for Charcot-Marie-Tooth disease type 4. Last evaluated: 2022-08-18. Review status: criteria provided, single submitter. Criteria: Invitae Variant Classification Sherloc (09022015). Collection method: clinical testing. Allele origin: germline.
Comment: In summary, the available evidence is currently insufficient to determine the role of this variant in disease. Therefore, it has been classified as a Variant of Uncertain Significance. Advanced modeling of protein sequence and biophysical properties (such as structural, functional, and spatial information, amino acid conservation, physicochemical variation, residue mobility, and thermodynamic stability) performed at Invitae indicates that this missense variant is not expected to disrupt SH3TC2 protein function. This variant has not been reported in the literature in individuals affected with SH3TC2-related conditions. This variant is present in population databases (rs748963999, gnomAD 0.01%). This sequence change replaces arginine, which is basic and polar, with glutamine, which is neutral and polar, at codon 1052 of the SH3TC2 protein (p.Arg1052Gln).

Ambry Genetics
Classification: Uncertain significance for Inborn genetic diseases. Last evaluated: 2021-06-11. Review status: criteria provided, single submitter. Criteria: Ambry Variant Classification Scheme 2023. Collection method: clinical testing. Allele origin: germline.

NM_024577.4(SH3TC2):c.3155G>A (p.Arg1052Gln)

Gene: SH3TC2 (SH3 domain and tetratricopeptide repeats 2; minus strand). Cytogenetic location: 5q32.
Variant type: single nucleotide variant.
Coding change: c.3155G>A on transcript NM_024577.4 (MANE Select); coding-DNA position 3155, G replaced by A.
Protein change: p.Arg1052Gln; replaces arginine 1052 with glutamine.
Molecular consequence: missense variant.
Genome position (GRCh38, 1-based): chr5:149,012,633, C>T on the plus strand (G>A on the coding strand, the complement: SH3TC2 is on the minus strand). VCF-style: chr5-149012633-C-T. GRCh37 (hg19) VCF-style: chr5-148392196-C-T.
Other names: short protein forms R1052Q.
Identifiers: ClinVar variation 1728231 (VCV001728231.5), dbSNP rs748963999, ClinGen allele CA3498836.